The following is an entry in ClinVar:

ClinVar aggregate classification (germline): Uncertain significance. Review status: criteria provided, multiple submitters, no conflicts (2 of 4 stars). 2 submissions from 2 submitters: Uncertain significance (2). Last evaluated 2026-02-09.

Conditions:
Tuberous sclerosis 1 (TSC1). Identifiers: Orphanet 805, MedGen C1854465, MONDO:0008612, OMIM 191100.
Hereditary cancer-predisposing syndrome. Also called: Tumor predisposition; Hereditary neoplastic syndrome; Hereditary Cancer Syndrome; Neoplastic Syndromes, Hereditary. Identifiers: Orphanet 140162, MedGen C0027672, MeSH D009386, MONDO:0015356.

Allele frequency attached by ClinVar (database versions not stated): gnomAD exomes below 0.00001.
gnomAD v4.1: 1 of 1,614,168 alleles (0.000062%); highest among the groups gnomAD compares: Non-Finnish European, 0.000085%; no homozygotes.

Submissions (2):

Ambry Genetics
Classification: Uncertain significance for Hereditary cancer-predisposing syndrome. Last evaluated: 2026-02-09. Review status: criteria provided, single submitter. Criteria: Ambry Variant Classification Scheme 2023. Collection method: clinical testing. Allele origin: germline.
Comment: The p.M224T variant (also known as c.671T>C), located in coding exon 6 of the TSC1 gene, results from a T to C substitution at nucleotide position 671. The methionine at codon 224 is replaced by threonine, an amino acid with similar properties. This amino acid position is not well conserved in available vertebrate species. In addition, this alteration is predicted to be deleterious by in silico analysis. Based on the available evidence, the clinical significance of this variant remains unclear.

Labcorp Genetics (formerly Invitae), Labcorp
Classification: Uncertain significance for Tuberous sclerosis 1. Last evaluated: 2019-05-04. Review status: criteria provided, single submitter. Criteria: Invitae Variant Classification Sherloc (09022015). Collection method: clinical testing. Allele origin: germline.
Comment: In summary, the available evidence is currently insufficient to determine the role of this variant in disease. Therefore, it has been classified as a Variant of Uncertain Significance. This variant is not present in population databases (ExAC no frequency). This variant has not been reported in the literature in individuals with TSC1-related conditions. Algorithms developed to predict the effect of missense changes on protein structure and function are either unavailable or do not agree on the potential impact of this missense change (SIFT: "Deleterious"; PolyPhen-2: "Probably Damaging"; Align-GVGD: "Class C0"). This sequence change replaces methionine with threonine at codon 224 of the TSC1 protein (p.Met224Thr). The methionine residue is moderately conserved and there is a moderate physicochemical difference between methionine and threonine.

NM_000368.5(TSC1):c.671T>C (p.Met224Thr)

Gene: TSC1 (TSC complex subunit 1; minus strand). Cytogenetic location: 9q34.13.
Variant type: single nucleotide variant.
Coding change: c.671T>C on transcript NM_000368.5 (MANE Select); coding-DNA position 671, T replaced by C.
Protein change: p.Met224Thr; replaces methionine 224 with threonine.
Molecular consequence: missense variant.
Genome position (GRCh38, 1-based): chr9:132,921,429, A>G on the plus strand (T>C on the coding strand, the complement: TSC1 is on the minus strand). VCF-style: chr9-132921429-A-G. GRCh37 (hg19) VCF-style: chr9-135796816-A-G.
Other names: c.671T>C, p.Met224Thr (NM_001162426.2); c.518T>C, p.Met173Thr (NM_001162427.2); c.308T>C, p.Met103Thr (NM_001362177.2); short protein forms M103T, M173T, M224T.
Identifiers: ClinVar variation 945482 (VCV000945482.10), dbSNP rs118203426, ClinGen allele CA375371508.